The following is an entry in ClinVar:

NM_005802.5(TOPORS):c.1795A>C (p.Ser599Arg)

Gene: TOPORS (TOP1 binding arginine/serine rich protein, E3 ubiquitin ligase; minus strand). Cytogenetic location: 9p21.1.
Variant type: single nucleotide variant.
Coding change: c.1795A>C on transcript NM_005802.5 (MANE Select); coding-DNA position 1795, A replaced by C.
Protein change: p.Ser599Arg; replaces serine 599 with arginine.
Molecular consequence: missense variant.
Genome position (GRCh38, 1-based): chr9:32,542,730, T>G on the plus strand (A>C on the coding strand, the complement: TOPORS is on the minus strand). VCF-style: chr9-32542730-T-G. GRCh37 (hg19) VCF-style: chr9-32542728-T-G.
Other names: c.1795A>C (NM_005802.4); c.1600A>C, p.Ser534Arg (NM_001195622.2); short protein forms S599R, S534R.
Identifiers: ClinVar variation 289956 (VCV000289956.10), dbSNP rs886044315, ClinGen allele CA10606607.
Genomic context (GRCh38, chr9:32,542,730, plus strand): 5'-GATGCTTTCTATGATTCTTCTGATCATGCCCACTTCTACTCTGAGAACGTGAATCTGAAC[T>G]TCTTGATCTTCCCCTCTTTCTGTGTCTATGGTTATATGGAGAATATACTCTGTCTCCTCT-3'
Protein context (NP_005793.2, residues 589-609): HRHRKRGRSR[Ser599Arg]SDSRSQSRSG

ClinVar aggregate classification (germline): Uncertain significance. Review status: criteria provided, multiple submitters, no conflicts (2 of 4 stars). 2 submissions from 2 submitters: Uncertain significance (2). Last evaluated 2022-04-06.

Conditions:
Retinitis pigmentosa 31 (RP31). Identifiers: Orphanet 791, MedGen C1835923, MONDO:0012367, OMIM 609923.

Allele frequency attached by ClinVar (database versions not stated): TOPMed below 0.00001; gnomAD 0.00001.
gnomAD v4.1: 1 of 1,613,968 alleles (0.000062%); highest among the groups gnomAD compares: Non-Finnish European, 0.000085%; no homozygotes.

Submissions (2):

Labcorp Genetics (formerly Invitae), Labcorp
Classification: Uncertain significance. Last evaluated: 2022-04-06. Review status: criteria provided, single submitter. Criteria: Invitae Variant Classification Sherloc (09022015). Collection method: clinical testing. Allele origin: germline.
Comment: In summary, the available evidence is currently insufficient to determine the role of this variant in disease. Therefore, it has been classified as a Variant of Uncertain Significance. Algorithms developed to predict the effect of missense changes on protein structure and function are either unavailable or do not agree on the potential impact of this missense change (SIFT: "Deleterious"; PolyPhen-2: "Not Available"; Align-GVGD: "Class C0"). ClinVar contains an entry for this variant (Variation ID: 289956). This variant has not been reported in the literature in individuals affected with TOPORS-related conditions. This variant is not present in population databases (gnomAD no frequency). This sequence change replaces serine, which is neutral and polar, with arginine, which is basic and polar, at codon 599 of the TOPORS protein (p.Ser599Arg).

Eurofins Ntd Llc (ga)
Classification: Uncertain significance. Last evaluated: 2016-08-03. Review status: criteria provided, single submitter. Criteria: EGL Classification Definitions 2015. Collection method: clinical testing. Allele origin: germline. Observed: 1 variant allele, 1 heterozygote.